The following is an entry in ClinVar:

ClinVar aggregate classification (germline): Likely pathogenic (1 of 4 stars; one submission).

Conditions:
Spondylocarpotarsal synostosis syndrome (SCT). Also called: SPONDYLOCARPOTARSAL SYNDROME; VERTEBRAL FUSION WITH CARPAL COALITION; Spondylocarpotarsal Synostosis Syndrome (FLNB-SCT); Synspondylism congenital; Scoliosis, congenital with unilateral unsegmented bar. Identifiers: Orphanet 3275, MedGen C1848934, MONDO:0010094, OMIM 272460.

Submission:

Molecular Genetics, Royal Melbourne Hospital
Classification: Likely pathogenic for Spondylocarpotarsal synostosis syndrome. Last evaluated: 2022-08-04. Review status: criteria provided, single submitter. Criteria: ACMG Guidelines, 2015. Collection method: clinical testing. Allele origin: germline.
Comment: This sequence change in MYH3 is a frameshift variant predicted to cause a premature stop codon, p.(Val1499Glufs*5) in biologically relevant-exon 32/41 leading to nonsense-mediated decay in a gene in which loss-of-function is an established disease mechanism (PMID: 35169139). This variant is absent from gnomAD v2.1 and v3.1. To our knowledge, this variant has not been reported in the literature in any individuals with MYH3-related disease. Based on the classification scheme RMH Modified ACMG Guidelines v1.5.1, this variant is classified as LIKELY PATHOGENIC. Following criteria are met: PVS1, PM2_Supporting.

Literature cited by the submitters: PubMed 35169139.

NM_002470.4(MYH3):c.4496_4497del (p.Val1499fs)

Gene: MYH3 (myosin heavy chain 3; minus strand). Cytogenetic location: 17p13.1.
Variant type: Microsatellite.
Coding change: c.4496_4497del on transcript NM_002470.4 (MANE Select); coding-DNA positions 4496 to 4497, 2 bases deleted (TG; older notation c.4496_4497delTG).
Protein change: p.Val1499fs; shifts the reading frame from valine 1499.
Molecular consequence: frameshift variant.
Genome position (GRCh38, 1-based): chr17:10,634,042-10,634,043, CA deleted on the plus strand (TG on the coding strand, the reverse complement: MYH3 is on the minus strand); deleting any 2 consecutive bases within chr17:10,634,042-10,634,045 gives the same sequence; the c. name uses the placement nearest the transcript's 3' end. VCF-style (leftmost placement, unchanged base first): chr17-10634041-TCA-T. GRCh37 (hg19) VCF-style: chr17-10537358-TCA-T.
Other names: c.4496_4497delTG (NM_002470.4); short protein forms V1499fs.
Identifiers: ClinVar variation 3068638 (VCV003068638.1), dbSNP rs2508577759, ClinGen allele CA2573320313.